The following is an entry in ClinVar:

NM_145038.5(DRC1):c.2166+9C>T

Gene: DRC1 (dynein regulatory complex subunit 1; plus strand). Cytogenetic location: 2p23.3.
Variant type: single nucleotide variant.
Coding change: c.2166+9C>T on transcript NM_145038.5 (MANE Select); 9 bases into the intron after coding-DNA position 2166, C replaced by T.
Molecular consequence: intron variant.
Genome position (GRCh38, 1-based): chr2:26,455,242, C>T. VCF-style: chr2-26455242-C-T. GRCh37 (hg19) VCF-style: chr2-26678110-C-T.
Other names: c.2166+9C>T (NM_145038.4).
Identifiers: ClinVar variation 696950 (VCV000696950.13), dbSNP rs373951532, ClinGen allele CA1562544.

ClinVar aggregate classification (germline): Likely benign. Review status: criteria provided, multiple submitters, no conflicts (2 of 4 stars). 3 submissions from 3 submitters: Likely benign (2). 1 of the submissions does not count toward it. Last evaluated 2025-09-25.

Conditions:
DRC1-related disorder. Also called: DRC1-related condition.
Primary ciliary dyskinesia. Also called: Ciliary dyskinesia. Identifiers: Orphanet 244, MedGen C0008780, MONDO:0016575, HP:0012265.

Allele frequency attached by ClinVar (database versions not stated): ExAC 0.00013; gnomAD 0.00014 and 0.00017; gnomAD exomes 0.00015; TOPMed 0.00018; ESP Exome Variant Server 0.00023.
gnomAD v4.1: 246 of 1,608,746 alleles (0.015%); highest among the groups gnomAD compares: Middle Eastern, 0.038%; no homozygotes.

Submissions (3):

Labcorp Genetics (formerly Invitae), Labcorp
Classification: Likely benign for Primary ciliary dyskinesia. Last evaluated: 2025-09-25. Review status: criteria provided, single submitter. Criteria: Invitae Variant Classification Sherloc (09022015). Collection method: clinical testing. Allele origin: germline.

Blueprint Genetics
Classification: Likely benign. Last evaluated: 2023-05-29. Review status: criteria provided, single submitter. Criteria: ACMG Guidelines, 2015. Collection method: clinical testing. Allele origin: germline.

PreventionGenetics, part of Exact Sciences
Classification: Likely benign for DRC1-related condition. Last evaluated: 2019-06-07. Review status: no assertion criteria provided. Collection method: clinical testing. Allele origin: germline. Not counted in ClinVar's aggregate classification.
Comment: This variant is classified as likely benign based on ACMG/AMP sequence variant interpretation guidelines (Richards et al. 2015 PMID: 25741868, with internal and published modifications).